The following is an entry in ClinVar:

ClinVar aggregate classification (germline): Uncertain significance (1 of 4 stars; one submission).

Conditions:
Hereditary cancer-predisposing syndrome. Also called: Neoplastic Syndromes, Hereditary; Tumor predisposition; Hereditary Cancer Syndrome; Hereditary neoplastic syndrome. Identifiers: Orphanet 140162, MedGen C0027672, MeSH D009386, MONDO:0015356.

Submission:

Ambry Genetics
Classification: Uncertain significance for Hereditary cancer-predisposing syndrome. Last evaluated: 2026-04-14. Review status: criteria provided, single submitter. Criteria: Ambry Variant Classification Scheme 2023. Collection method: clinical testing. Allele origin: germline.
Comment: The p.K122R variant (also known as c.365A>G), located in coding exon 5 of the POLE gene, results from an A to G substitution at nucleotide position 365. The lysine at codon 122 is replaced by arginine, an amino acid with highly similar properties. This amino acid position is highly conserved in available vertebrate species. In addition, this alteration is predicted to be tolerated by in silico analysis. Based on the available evidence, the clinical significance of this variant remains unclear.

NM_006231.4(POLE):c.365A>G (p.Lys122Arg)

Gene: POLE (DNA polymerase epsilon, catalytic subunit; minus strand). Cytogenetic location: 12q24.33.
Variant type: single nucleotide variant.
Coding change: c.365A>G on transcript NM_006231.4 (MANE Select); coding-DNA position 365, A replaced by G.
Protein change: p.Lys122Arg; replaces lysine 122 with arginine.
Molecular consequence: missense variant.
Genome position (GRCh38, 1-based): chr12:132,680,012, T>C on the plus strand (A>G on the coding strand, the complement: POLE is on the minus strand). VCF-style: chr12-132680012-T-C. GRCh37 (hg19) VCF-style: chr12-133256598-T-C.
Other names: short protein forms K122R.
Identifiers: ClinVar variation 4862268 (VCV004862268.1).